The following is an entry in ClinVar:

ClinVar aggregate classification (germline): Pathogenic (1 of 4 stars; one submission).

Conditions:
Hereditary spastic paraplegia 11. Also called: Nakamura Osame syndrome; Autosomal recessive hereditary spastic paraplegia, mental impairment, and thin corpus callosum; SPASTIC PARAPLEGIA, AUTOSOMAL RECESSIVE, COMPLICATED, WITH THIN CORPUS CALLOSUM; SPASTIC PARAPLEGIA, AUTOSOMAL RECESSIVE, WITH MENTAL IMPAIRMENT AND THIN CORPUS CALLOSUM; Spastic paraplegia, mental retardation and thin corpus callosum; Spastic Paraplegia 11. Identifiers: Orphanet 2822, MedGen C1858479, MONDO:0011445, OMIM 604360.

Submission:

Labcorp Genetics (formerly Invitae), Labcorp
Classification: Pathogenic for Hereditary spastic paraplegia 11. Last evaluated: 2021-11-19. Review status: criteria provided, single submitter. Criteria: Invitae Variant Classification Sherloc (09022015). Collection method: clinical testing. Allele origin: germline.
Comment: This sequence change creates a premature translational stop signal (p.Ser1750Profs*88) in the SPG11 gene. It is expected to result in an absent or disrupted protein product. Loss-of-function variants in SPG11 are known to be pathogenic (PMID: 19105190, 20110243, 22154821, 26556829). This variant is not present in population databases (gnomAD no frequency). This variant has not been reported in the literature in individuals affected with SPG11-related conditions. For these reasons, this variant has been classified as Pathogenic.

Literature cited by the submitters: PubMed 19105190; PubMed 20110243; PubMed 22154821; PubMed 26556829.

NM_025137.4(SPG11):c.5248del (p.Ser1750fs)

Genes: SPG11 (SPG11 vesicle trafficking associated, spatacsin; minus strand), LOC130056971 (ATAC-STARR-seq lymphoblastoid silent region 6398; plus strand). Cytogenetic location: 15q21.1.
Variant type: Deletion.
Coding change: c.5248del on transcript NM_025137.4 (MANE Select); coding-DNA position 5248, one base deleted (T; older notation c.5248delT).
Protein change: p.Ser1750fs; shifts the reading frame from serine 1750.
Molecular consequence: frameshift variant.
Genome position (GRCh38, 1-based): chr15:44,584,432, A deleted on the plus strand (T on the coding strand, the reverse complement: SPG11 is on the minus strand); the first of 2 consecutive A bases (chr15:44,584,432-44,584,433); deleting either gives the same sequence. VCF-style (leftmost placement, unchanged base first): chr15-44584431-GA-G. GRCh37 (hg19) VCF-style: chr15-44876629-GA-G.
Other names: c.5248del, p.Ser1750fs (NM_001160227.2); short protein forms S1750fs.
Identifiers: ClinVar variation 1387377 (VCV001387377.6), dbSNP rs2140947448, ClinGen allele CA2573150873.